The following is an entry in ClinVar:

ClinVar aggregate classification (germline): Benign/Likely benign. Review status: criteria provided, multiple submitters, no conflicts (2 of 4 stars). 31 submissions from 24 submitters: Benign (20); Likely benign (6). 5 of the submissions do not count toward it. Last evaluated 2026-10-01.

Conditions:
Dilated cardiomyopathy 1G (CMD1G). Identifiers: Orphanet 154, MedGen C1858763, MONDO:0011400, OMIM 604145.
Autosomal recessive limb-girdle muscular dystrophy type 2J (LGMDR10). Also called: MUSCULAR DYSTROPHY, LIMB-GIRDLE, AUTOSOMAL RECESSIVE 10; Limb-girdle muscular dystrophy, type 2J. Identifiers: Orphanet 140922, MedGen C1837342, MONDO:0012127, OMIM 608807.
Cardiovascular phenotype. Identifiers: MedGen CN230736.
Cardiomyopathy (CMYO). Also called: Cardiomyopathies. Identifiers: Orphanet 167848, MedGen C0878544, MONDO:0004994, HP:0001638. Inheritance: Various modes of inheritance.
Early-onset myopathy with fatal cardiomyopathy (CMYO5). Also called: CONGENITAL MYOPATHY 5 WITH CARDIOMYOPATHY; Salih Myopathy. Identifiers: Orphanet 289377, MedGen C2673677, MONDO:0012714, OMIM 611705. Disease mechanism: loss of function.
Myopathy, myofibrillar, 9, with early respiratory failure (MFM9). Also called: Myopathy, distal, with early respiratory failure, autosomal dominant; Hereditary myopathy with early respiratory failure; MYOPATHY, PROXIMAL, WITH EARLY RESPIRATORY MUSCLE INVOLVEMENT; EDSTROM MYOPATHY. Identifiers: Orphanet 178464, Orphanet 34521, MedGen C1863599, MONDO:0011362, OMIM 603689.
Tibial muscular dystrophy (TMD). Also called: Udd Distal Myopathy – Tibial Muscular Dystrophy; Tibial muscular dystrophy, tardive; UDD MYOPATHY. Identifiers: Orphanet 609, MedGen C1838244, MONDO:0010870, OMIM 600334.
Hypertrophic cardiomyopathy. Also called: HYPERTROPHIC MYOCARDIOPATHY. Identifiers: Orphanet 217569, MedGen C0007194, MeSH D002312, MONDO:0005045, HP:0001639.

Allele frequency attached by ClinVar (database versions not stated): 1000 Genomes Project 30x 0.00203; TOPMed 0.00532; gnomAD exomes 0.00622 and 0.00804; ExAC 0.00689; 1000 Genomes Project 0.00160; gnomAD 0.00600 and 0.00625; ESP Exome Variant Server 0.00756.
gnomAD v4.1: 12,599 of 1,606,414 alleles (0.78%); highest among the groups gnomAD compares: Non-Finnish European, 0.93%; 64 homozygotes.

Submissions 1 to 17 of 61:

CeGaT Center for Human Genetics Tuebingen
Classification: Likely benign. Last evaluated: 2026-10-01. Review status: criteria provided, single submitter. Criteria: CeGaT Center For Human Genetics Tuebingen Variant Classification Criteria Version 2. Collection method: clinical testing. Allele origin: germline. Affected: yes. Observed: 94 variant alleles.
Comment: TTN: BP4, BS2

Labcorp Genetics (formerly Invitae), Labcorp
Classification: Benign for Dilated cardiomyopathy 1G; Autosomal recessive limb-girdle muscular dystrophy type 2J. Last evaluated: 2026-02-04. Review status: criteria provided, single submitter. Criteria: Invitae Variant Classification Sherloc (09022015). Collection method: clinical testing. Allele origin: germline.

Women's Health and Genetics/Laboratory Corporation of America, LabCorp
Classification: Benign. Last evaluated: 2025-12-23. Review status: criteria provided, single submitter. Criteria: LabCorp Variant Classification Summary - May 2015. Collection method: clinical testing. Allele origin: germline.
Comment: Variant summary: TTN c.83869A>G (p.Ile27957Val) results in a conservative amino acid change located in the A-band region of the encoded protein sequence. Algorithms developed to predict the effect of missense changes on protein structure and function all suggest that this variant is likely to be tolerated. The variant allele was found at a frequency of 0.0079 in 1599488 control chromosomes in the gnomAD database (v4.1 dataset), including 64 homozygotes. The observed variant frequency exceeds the estimated maximal expected allele frequency for disease-causing variants in TTN. In addition, the variant, c.83869A>G, has been reported in the literature in individual(s) who carried a (likely) pathogenic TTN variant in trans, and had no signs of skeletal muscle disease, further supporting a benign role for the variant (Savarese_2020). To our knowledge, no experimental evidence demonstrating an impact on protein function has been reported. The following publication have been ascertained in the context of this evaluation (PMID: 32039858). ClinVar contains an entry for this variant (Variation ID: 47511). Based on the evidence outlined above, the variant was classified as benign.

ARUP Laboratories, Molecular Genetics and Genomics, ARUP Laboratories
Classification: Benign. Last evaluated: 2025-07-10. Review status: criteria provided, single submitter. Criteria: ARUP Molecular Germline Variant Investigation Process 2024. Collection method: clinical testing. Allele origin: germline.

Molecular Diagnostic Laboratory for Inherited Cardiovascular Disease, Montreal Heart Institute
Classification: Benign. Last evaluated: 2025-04-09. Review status: criteria provided, single submitter. Criteria: ACMG Guidelines, 2015. Collection method: clinical testing. Allele origin: germline. Affected: no.

Blueprint Genetics
Classification: Likely benign. Last evaluated: 2024-11-26. Review status: criteria provided, single submitter. Criteria: ACMG Guidelines, 2015. Collection method: clinical testing. Allele origin: germline.

Athena Diagnostics
Classification: Benign. Last evaluated: 2024-10-22. Review status: criteria provided, single submitter. Criteria: Athena Diagnostics Criteria. Collection method: clinical testing. Allele origin: unknown.

Mayo Clinic Laboratories, Mayo Clinic
Classification: Benign. Last evaluated: 2022-10-26. Review status: criteria provided, single submitter. Criteria: ACMG Guidelines, 2015. Collection method: clinical testing. Allele origin: germline. Observed: 41 variant alleles.

Genome-Nilou Lab
Classification: Benign for Autosomal recessive limb-girdle muscular dystrophy type 2J. Last evaluated: 2021-09-10. Review status: criteria provided, single submitter. Criteria: ACMG Guidelines, 2015. Collection method: clinical testing. Allele origin: germline. Affected: no.

Genome-Nilou Lab
Classification: Benign for Myopathy, myofibrillar, 9, with early respiratory failure. Last evaluated: 2021-09-10. Review status: criteria provided, single submitter. Criteria: ACMG Guidelines, 2015. Collection method: clinical testing. Allele origin: germline. Affected: no.

Genome-Nilou Lab
Classification: Benign for Early-onset myopathy with fatal cardiomyopathy. Last evaluated: 2021-09-10. Review status: criteria provided, single submitter. Criteria: ACMG Guidelines, 2015. Collection method: clinical testing. Allele origin: germline. Affected: no.

Genome-Nilou Lab
Classification: Benign for Tibial muscular dystrophy. Last evaluated: 2021-09-10. Review status: criteria provided, single submitter. Criteria: ACMG Guidelines, 2015. Collection method: clinical testing. Allele origin: germline. Affected: no.

Center for Advanced Laboratory Medicine, UC San Diego Health, University of California San Diego
Classification: Benign for Hypertrophic cardiomyopathy. Last evaluated: 2018-04-18. Review status: criteria provided, single submitter. Criteria: ACMG Guidelines, 2015. Collection method: clinical testing. Allele origin: germline. Affected: yes. Observed: 2 variant alleles.

CHEO Genetics Diagnostic Laboratory, Children's Hospital of Eastern Ontario
Classification: Benign for Cardiomyopathy. Last evaluated: 2018-01-29. Review status: criteria provided, single submitter. Criteria: ACMG Guidelines, 2015. Collection method: clinical testing. Allele origin: germline.

Illumina Laboratory Services, Illumina
Classification: Likely benign for Dilated cardiomyopathy 1G. Last evaluated: 2018-01-13. Review status: criteria provided, single submitter. Criteria: ICSL Variant Classification Criteria 13 December 2019. Collection method: clinical testing. Allele origin: germline.
Comment: This variant was observed in the ICSL laboratory as part of a predisposition screen in an ostensibly healthy population. It had not been previously curated by ICSL or reported in the Human Gene Mutation Database (HGMD: prior to June 1st, 2018), and was therefore a candidate for classification through an automated scoring system. Utilizing variant allele frequency, disease prevalence and penetrance estimates, and inheritance mode, an automated score was calculated to assess if this variant is too frequent to cause the disease. Based on the score and internal cut-off values, a variant classified as likely benign is not then subjected to further curation. The score for this variant resulted in a classification of likely benign for this disease.

Illumina Laboratory Services, Illumina
Classification: Benign for Myopathy, myofibrillar, 9, with early respiratory failure. Last evaluated: 2018-01-13. Review status: criteria provided, single submitter. Criteria: ICSL Variant Classification Criteria 13 December 2019. Collection method: clinical testing. Allele origin: germline.
Comment: This variant was observed in the ICSL laboratory as part of a predisposition screen in an ostensibly healthy population. It had not been previously curated by ICSL or reported in the Human Gene Mutation Database (HGMD: prior to June 1st, 2018), and was therefore a candidate for classification through an automated scoring system. Utilizing variant allele frequency, disease prevalence and penetrance estimates, and inheritance mode, an automated score was calculated to assess if this variant is too frequent to cause the disease. Based on the score and internal cut-off values, a variant classified as benign is not then subjected to further curation. The score for this variant resulted in a classification of benign for this disease.

Illumina Laboratory Services, Illumina
Classification: Likely benign for Early-onset myopathy with fatal cardiomyopathy. Last evaluated: 2018-01-13. Review status: criteria provided, single submitter. Criteria: ICSL Variant Classification Criteria 13 December 2019. Collection method: clinical testing. Allele origin: germline.
Comment: the same text as in the submission from Illumina Laboratory Services, Illumina above.

NM_001267550.2(TTN):c.91573A>G (p.Ile30525Val)

Genes: TTN (titin; minus strand), TTN-AS1 (TTN antisense RNA 1; plus strand). Cytogenetic location: 2q31.2.
Variant type: single nucleotide variant.
Coding change: c.91573A>G on transcript NM_001267550.2 (MANE Select); coding-DNA position 91573, A replaced by G.
Protein change: p.Ile30525Val; replaces isoleucine 30525 with valine.
Molecular consequence: missense variant.
Genome position (GRCh38, 1-based): chr2:178,550,265, T>C on the plus strand (A>G on the coding strand, the complement: TTN is on the minus strand). VCF-style: chr2-178550265-T-C. GRCh37 (hg19) VCF-style: chr2-179414992-T-C.
Other names: p.I27957V:ATA>GTA; c.86650A>G, p.Ile28884Val (NM_001256850.1); c.64378A>G, p.Ile21460Val (NM_003319.4); c.83869A>G, p.Ile27957Val (NM_133378.4); c.64753A>G, p.Ile21585Val (NM_133432.3); c.64954A>G, p.Ile21652Val (NM_133437.4); short protein forms I30525V, I27957V, I28884V, I21585V, I21460V, I21652V.
Identifiers: ClinVar variation 47511 (VCV000047511.96), dbSNP rs72648244, ClinGen allele CA141222.
Genomic context (GRCh38, chr2:178,550,265, plus strand): 5'-TAAGGCTCTCTCCGGACTTAATAATGAGACCATCAAAGTATTCAGGGCCAAACTCTACTA[T>C]TGGTGGAACTATAAAAGAAAGAGAAATACTATGTATTAGTTTGGCTTAATAAAGACATAC-3'
Protein context (NP_001254479.2, residues 30515-30535): IMTRDENVPP[Ile30525Val]VEFGPEYFDG